The following is an entry in ClinVar:

ClinVar aggregate classification (germline): Uncertain significance (1 of 4 stars; one submission).

Conditions:
COG1 congenital disorder of glycosylation (CDG2G). Also called: CDG IIg; CDGII/COG1 CEREBROCOSTOMANDIBULAR-LIKE SYNDROME; CONGENITAL DISORDER OF GLYCOSYLATION, TYPE IIg. Identifiers: Orphanet 263508, MedGen C2931011, MONDO:0012637, OMIM 611209.

Allele frequency attached by ClinVar (database versions not stated): gnomAD exomes 0.00001 and 0.00003; ExAC 0.00002; gnomAD 0.00002 and 0.00003; TOPMed 0.00002; ESP Exome Variant Server 0.00008.
gnomAD v4.1: 45 of 1,613,356 alleles (0.0028%); highest among the groups gnomAD compares: Middle Eastern, 0.016%; no homozygotes.

Submission:

Labcorp Genetics (formerly Invitae), Labcorp
Classification: Uncertain significance for COG1 congenital disorder of glycosylation. Last evaluated: 2022-09-07. Review status: criteria provided, single submitter. Criteria: Invitae Variant Classification Sherloc (09022015). Collection method: clinical testing. Allele origin: germline.
Comment: This sequence change replaces arginine, which is basic and polar, with tryptophan, which is neutral and slightly polar, at codon 889 of the COG1 protein (p.Arg889Trp). This variant is present in population databases (rs144316008, gnomAD 0.0009%). This variant has not been reported in the literature in individuals affected with COG1-related conditions. ClinVar contains an entry for this variant (Variation ID: 1510231). Algorithms developed to predict the effect of missense changes on protein structure and function are either unavailable or do not agree on the potential impact of this missense change (SIFT: "Deleterious"; PolyPhen-2: "Probably Damaging"; Align-GVGD: "Class C0"). In summary, the available evidence is currently insufficient to determine the role of this variant in disease. Therefore, it has been classified as a Variant of Uncertain Significance.

NM_018714.3(COG1):c.2665C>T (p.Arg889Trp)

Gene: COG1 (component of oligomeric golgi complex 1; plus strand). Cytogenetic location: 17q25.1.
Variant type: single nucleotide variant.
Coding change: c.2665C>T on transcript NM_018714.3 (MANE Select); coding-DNA position 2665, C replaced by T.
Protein change: p.Arg889Trp; replaces arginine 889 with tryptophan.
Molecular consequence: missense variant.
Genome position (GRCh38, 1-based): chr17:73,206,753, C>T. VCF-style: chr17-73206753-C-T. GRCh37 (hg19) VCF-style: chr17-71202892-C-T.
Other names: short protein forms R889W.
Identifiers: ClinVar variation 1510231 (VCV001510231.8), dbSNP rs144316008, ClinGen allele CA8740569.